The following is an entry in ClinVar:

ClinVar aggregate classification (germline): Likely benign (1 of 4 stars; one submission).

Submission:

CeGaT Center for Human Genetics Tuebingen
Classification: Likely benign. Last evaluated: 2026-07-01. Review status: criteria provided, single submitter. Criteria: CeGaT Center For Human Genetics Tuebingen Variant Classification Criteria Version 2. Collection method: clinical testing. Allele origin: germline. Affected: yes. Observed: 3 variant alleles.
Comment: KCNQ1OT1: BS2

NM_000218.3(KCNQ1):c.1393+21882_1393+21891dup

Genes: KCNQ1 (potassium voltage-gated channel subfamily Q member 1; plus strand), KCNQ1OT1 (KCNQ1 opposite strand/antisense transcript 1; minus strand). Cytogenetic location: 11p15.5.
Variant type: Duplication.
Coding change: c.1393+21882_1393+21891dup on transcript NM_000218.3 (MANE Select); bases 21882 to 21891 of the intron after coding-DNA position 1393, 10 bases duplicated (TTTTTTTTTT; older notation c.1393+21882_1393+21891dupTTTTTTTTTT).
Molecular consequence: intron variant. On other transcripts: non-coding transcript variant (1).
Genome position (GRCh38, 1-based): chr11:2,610,736-2,610,745, TTTTTTTTTT duplicated; duplicating any 10 consecutive bases within chr11:2,610,717-2,610,745 gives the same sequence; the c. name uses the placement nearest the transcript's 3' end. VCF-style (leftmost placement, unchanged base first): chr11-2610716-C-CTTTTTTTTTT. GRCh37 (hg19) VCF-style: chr11-2631946-C-CTTTTTTTTTT.
Other names: c.1123+21882_1123+21891dup (NM_001406837.1); c.1297+21882_1297+21891dup (NM_001406836.1); c.853+21882_853+21891dup (NM_001406838.1); c.1012+21882_1012+21891dup (NM_181798.2).
Identifiers: ClinVar variation 4534509 (VCV004534509.6).
Genomic context (GRCh38, chr11:2,610,716, plus strand): 5'-ATGCTTTTATTTTGCCTTCTTTTTGAAAGAAACTTTTCTGGACACAGTATTCTTGGTTGG[C>CTTTTTTTTTT]TTTTTTTTTTTTTTTTTTTTTTTTTTTTTACTTTGAGCACTTGGGATCTGTTACCCCACT-3'